The following is an entry in ClinVar:

NM_004977.3(KCNC3):c.1737ACCCCCGCC[3] (p.Pro585_His586insProProPro)

Gene: KCNC3 (potassium voltage-gated channel subfamily C member 3; minus strand). Cytogenetic location: 19q13.33.
Variant type: Microsatellite.
Coding change: c.1737ACCCCCGCC[3] on transcript NM_004977.3 (MANE Select); three copies in a row of the 9-base unit ACCCCCGCC starting at c.1737; the reference has two copies in a row; one copy, 9 bases duplicated.
Protein change: p.Pro585_His586insProProPro.
Molecular consequence: inframe insertion.
Genome position (GRCh38, 1-based): chr19:50,323,199-50,323,207, GGCGGGGGT duplicated on the plus strand (ACCCCCGCC on the coding strand, the reverse complement: KCNC3 is on the minus strand); duplicating any 9 consecutive bases within chr19:50,323,199-50,323,218 gives the same sequence; the position shown is the placement nearest the transcript's 3' end. VCF-style (leftmost placement, unchanged base first): chr19-50323198-G-GGGCGGGGGT. GRCh37 (hg19) VCF-style: chr19-50826455-G-GGGCGGGGGT.
Other names: c.1509ACCCCCGCC[3], p.Pro509_His510insProProPro (NM_001372305.1).
Identifiers: ClinVar variation 2967138 (VCV002967138.3), dbSNP rs747618525, ClinGen allele CA9594175.

ClinVar aggregate classification (germline): Uncertain significance (1 of 4 stars; one submission).

Submission:

Labcorp Genetics (formerly Invitae), Labcorp
Classification: Uncertain significance. Last evaluated: 2023-12-01. Review status: criteria provided, single submitter. Criteria: Invitae Variant Classification Sherloc (09022015). Collection method: clinical testing. Allele origin: germline.
Comment: This variant, c.1746_1754dup, results in the insertion of 3 amino acid(s) of the KCNC3 protein (p.Pro583_Pro585dup), but otherwise preserves the integrity of the reading frame. This variant is present in population databases (rs747618525, gnomAD 0.03%). This variant has not been reported in the literature in individuals affected with KCNC3-related conditions. In summary, the available evidence is currently insufficient to determine the role of this variant in disease. Therefore, it has been classified as a Variant of Uncertain Significance.